The following is an entry in ClinVar:

NM_000428.3(LTBP2):c.4337A>T (p.Asp1446Val)

Gene: LTBP2 (latent transforming growth factor beta binding protein 2; minus strand). Cytogenetic location: 14q24.3.
Variant type: single nucleotide variant.
Coding change: c.4337A>T on transcript NM_000428.3 (MANE Select); coding-DNA position 4337, A replaced by T.
Protein change: p.Asp1446Val; replaces aspartic acid 1446 with valine.
Molecular consequence: missense variant.
Genome position (GRCh38, 1-based): chr14:74,505,015, T>A on the plus strand (A>T on the coding strand, the complement: LTBP2 is on the minus strand). VCF-style: chr14-74505015-T-A. GRCh37 (hg19) VCF-style: chr14-74971718-T-A.
Other names: short protein forms D1446V.
Identifiers: ClinVar variation 2074760 (VCV002074760.4), dbSNP rs1357318258, ClinGen allele CA390385858.

ClinVar aggregate classification (germline): Uncertain significance (1 of 4 stars; one submission).

Allele frequency attached by ClinVar (database versions not stated): gnomAD exomes below 0.00001.
gnomAD v4.1: 2 of 1,614,176 alleles (0.00012%); highest among the groups gnomAD compares: Non-Finnish European, 0.00017%; no homozygotes.

Submission:

Labcorp Genetics (formerly Invitae), Labcorp
Classification: Uncertain significance. Last evaluated: 2022-02-01. Review status: criteria provided, single submitter. Criteria: Invitae Variant Classification Sherloc (09022015). Collection method: clinical testing. Allele origin: germline.
Comment: In summary, the available evidence is currently insufficient to determine the role of this variant in disease. Therefore, it has been classified as a Variant of Uncertain Significance. Algorithms developed to predict the effect of missense changes on protein structure and function (SIFT, PolyPhen-2, Align-GVGD) all suggest that this variant is likely to be tolerated. This sequence change replaces aspartic acid, which is acidic and polar, with valine, which is neutral and non-polar, at codon 1446 of the LTBP2 protein (p.Asp1446Val). This variant is not present in population databases (gnomAD no frequency). This variant has not been reported in the literature in individuals affected with LTBP2-related conditions.